The following is an entry in ClinVar:

ClinVar aggregate classification (germline): Uncertain significance (1 of 4 stars; one submission).

Allele frequency attached by ClinVar (database versions not stated): gnomAD exomes below 0.00001.
gnomAD v4.1: 2 of 1,613,926 alleles (0.00012%); highest among the groups gnomAD compares: Non-Finnish European, 0.00017%; no homozygotes.

Submission:

Labcorp Genetics (formerly Invitae), Labcorp
Classification: Uncertain significance. Last evaluated: 2025-04-28. Review status: criteria provided, single submitter. Criteria: Invitae Variant Classification Sherloc (09022015). Collection method: clinical testing. Allele origin: germline.
Comment: This sequence change replaces tyrosine, which is neutral and polar, with histidine, which is basic and polar, at codon 53 of the SNAI2 protein (p.Tyr53His). This variant is not present in population databases (gnomAD no frequency). This variant has not been reported in the literature in individuals affected with SNAI2-related conditions. ClinVar contains an entry for this variant (Variation ID: 2094799). An algorithm developed to predict the effect of missense changes on protein structure and function (PolyPhen-2) suggests that this variant is likely to be tolerated. In summary, the available evidence is currently insufficient to determine the role of this variant in disease. Therefore, it has been classified as a Variant of Uncertain Significance.

NM_003068.5(SNAI2):c.157T>C (p.Tyr53His)

Gene: SNAI2 (snail family transcriptional repressor 2; minus strand). Cytogenetic location: 8q11.21.
Variant type: single nucleotide variant.
Coding change: c.157T>C on transcript NM_003068.5 (MANE Select); coding-DNA position 157, T replaced by C.
Protein change: p.Tyr53His; replaces tyrosine 53 with histidine.
Molecular consequence: missense variant.
Genome position (GRCh38, 1-based): chr8:48,920,364, A>G on the plus strand (T>C on the coding strand, the complement: SNAI2 is on the minus strand). VCF-style: chr8-48920364-A-G. GRCh37 (hg19) VCF-style: chr8-49832923-A-G.
Other names: short protein forms Y53H.
Identifiers: ClinVar variation 2094799 (VCV002094799.4), dbSNP rs2536070894, ClinGen allele CA371184629.